The following is an entry in ClinVar:

ClinVar aggregate classification (germline): Pathogenic. Review status: criteria provided, multiple submitters, no conflicts (2 of 4 stars). 3 submissions from 3 submitters: Pathogenic (3). Last evaluated 2025-04-18.

Conditions:
Intellectual disability. Also called: Intellectual developmental disorder; Intellectual functioning disability; intellectual disabilities. Identifiers: MedGen C3714756, MeSH D008607, MONDO:0001071, HP:0001249.
Intellectual disability, X-linked 102 (MRXSSB). Also called: Intellectual developmental disorder, X-linked syndromic, Snijders Blok type. Identifiers: Orphanet 457260, MedGen C5393299, MONDO:0010497, OMIM 300958.

Submissions (3):

Variantyx, Inc.
Classification: Pathogenic for Intellectual disability, X-linked 102. Last evaluated: 2025-04-18. Review status: criteria provided, single submitter. Criteria: Variantyx Assertion Criteria 2022. Collection method: clinical testing. Allele origin: maternal. Inheritance: X-linked inheritance. Affected: no.
Comment: This is a nonsense variant in the DDX3X gene (OMIM: 300160). Pathogenic variants in this gene have been associated with X-linked syndromic intellectual developmental disorder, Snijders Blok type. This variant introduces a premature termination codon in exon 1 out of 17 and is expected to result in loss of function, a known disease mechanism for DDX3X in this disorder (PMID: 38284452, 26235985, 31785789) (PVS1). This variant is absent from control populations (PM2). Based on the current evidence, this variant is classified as pathogenic for X-linked syndromic intellectual developmental disorder, Snijders Blok type.

Diagnostic Laboratory, Strasbourg University Hospital
Classification: Pathogenic for Intellectual disability. Last evaluated: 2020-09-10. Review status: criteria provided, single submitter. Criteria: ACMG Guidelines, 2015. Collection method: clinical testing. Allele origin: de novo. Affected: yes. Observed: 1 heterozygote.

GeneDx
Classification: Pathogenic. Last evaluated: 2018-02-09. Review status: criteria provided, single submitter. Criteria: GeneDx Variant Classification (06012015). Collection method: clinical testing. Allele origin: germline. Affected: yes.
Comment: The Q14X variant in the DDX3X gene has not been reported previously as a pathogenic variant nor as a benign variant, to our knowledge. This variant is predicted to cause loss of normal protein function either through protein truncation or nonsense-mediated mRNA decay. The Q14X variant is not observed in large population cohorts (Lek et al., 2016). We interpret Q14X as a pathogenic variant, consistent with the clinical findings in this individual.

Literature cited by the submitters: PubMed 38284452 (cited by Variantyx, Inc.); PubMed 26235985 (cited by Variantyx, Inc.); PubMed 31785789 (cited by Variantyx, Inc.).

NM_001356.5(DDX3X):c.40C>T (p.Gln14Ter)

Gene: DDX3X (DEAD-box helicase 3 X-linked; plus strand). Cytogenetic location: Xp11.4.
Variant type: single nucleotide variant.
Coding change: c.40C>T on transcript NM_001356.5 (MANE Select); coding-DNA position 40, C replaced by T.
Protein change: p.Gln14Ter; replaces glutamine 14 with a stop codon.
Molecular consequence: nonsense. On other transcripts: 5 prime UTR variant (1), non-coding transcript variant (2).
Genome position (GRCh38, 1-based): chrX:41,334,292, C>T. VCF-style: chrX-41334292-C-T. GRCh37 (hg19) VCF-style: chrX-41193545-C-T.
Other names: c.40C>T, p.Gln14Ter (NM_001193416.3, NM_001193417.3); c.-1864C>T (NM_001363819.1); short protein forms Q14*.
Identifiers: ClinVar variation 504264 (VCV000504264.4), dbSNP rs1555950676, ClinGen allele CA412761583.